The following is an entry in ClinVar:

NM_000179.3(MSH6):c.1806_1809del (p.Glu604fs)

Gene: MSH6 (mutS homolog 6; plus strand). Cytogenetic location: 2p16.3.
Variant type: Deletion.
Coding change: c.1806_1809del on transcript NM_000179.3 (MANE Select); coding-DNA positions 1806 to 1809, 4 bases deleted (AAAG; older notation c.1806_1809delAAAG).
Protein change: p.Glu604fs; shifts the reading frame from glutamic acid 604.
Molecular consequence: frameshift variant.
Genome position (GRCh38, 1-based): chr2:47,799,789-47,799,792, AAAG deleted. VCF-style (leftmost placement, unchanged base first): chr2-47799788-CAAAG-C. GRCh37 (hg19) VCF-style: chr2-48026927-CAAAG-C.
Other names: c.1806_1809delAAAG (NM_000179.2); c.1416_1419del, p.Glu474fs (NM_001281492.2); c.900_903del, p.Glu302fs (NM_001281493.2, NM_001281494.2); short protein forms E474fs, E302fs.
Identifiers: ClinVar variation 89224 (VCV000089224.22), dbSNP rs63750735, ClinGen allele CA009238.

ClinVar aggregate classification (germline): Pathogenic. Review status: reviewed by expert panel (3 of 4 stars). 10 submissions from 10 submitters: Pathogenic (1). 9 of the submissions do not count toward it. Last evaluated 2013-09-05.

Conditions:
Hereditary nonpolyposis colorectal neoplasms. Identifiers: MedGen C0009405, MeSH D003123.
Hereditary cancer-predisposing syndrome. Also called: Neoplastic Syndromes, Hereditary; Hereditary neoplastic syndrome; Hereditary Cancer Syndrome; Tumor predisposition. Identifiers: Orphanet 140162, MedGen C0027672, MeSH D009386, MONDO:0015356.
Lynch syndrome. Identifiers: Orphanet 144, MedGen C4552100, MONDO:0005835. Disease mechanism: loss of function.
Lynch syndrome 5 (LYNCH5). Also called: Colorectal cancer, hereditary nonpolyposis, type 5; Hereditary non-polyposis colorectal cancer, type 5. Identifiers: Orphanet 144, MedGen C1833477, MONDO:0013710, OMIM 614350. Disease mechanism: loss of function.
Endometrial carcinoma. Also called: Endometrial carcinoma, somatic. Identifiers: MedGen C0476089, MONDO:0002447, OMIM 608089, HP:0012114.

Allele frequency attached by ClinVar (database versions not stated): gnomAD exomes below 0.00001.

Submissions (10):

International Society for Gastrointestinal Hereditary Tumours (InSiGHT)
Classification: Pathogenic for Lynch Syndrome. Last evaluated: 2013-09-05. Review status: reviewed by expert panel. Criteria: Guidelines v1.9. Collection method: research. Allele origin: germline.
Comment: Coding sequence variation resulting in a stop codon

Classified with v1.9 guidelines

GeneDx
Classification: Pathogenic. Last evaluated: 2026-03-03. Review status: criteria provided, single submitter. Criteria: GeneDx Variant Classification Process June 2021. Collection method: clinical testing. Allele origin: germline. Not counted in ClinVar's aggregate classification.
Comment: Frameshift variant predicted to result in protein truncation or nonsense mediated decay in a gene for which loss of function is a known mechanism of disease; Truncating variants in this gene are considered pathogenic by a well-established clinical consortium and/or database; Not observed at significant frequency in large population cohorts (gnomAD); This variant is associated with the following publications: (PMID: 33087929, 27920101, 21674763, 26805314, 11470537, 18409202)

Ambry Genetics
Classification: Pathogenic for Hereditary cancer-predisposing syndrome. Last evaluated: 2024-07-17. Review status: criteria provided, single submitter. Criteria: Ambry Variant Classification Scheme 2023. Collection method: clinical testing. Allele origin: germline. Not counted in ClinVar's aggregate classification.
Comment: The c.1806_1809delAAAG variant, located in coding exon 4 of the MSH6 gene, results from a deletion of 4 nucleotides at nucleotide positions 1806 to 1809, causing a translational frameshift with a predicted alternate stop codon (p.E604Lfs*5). This mutation has been reported in multiple individuals with colorectal cancer (Ohmiya N et al. Gene, 2001 Jul;272:301-13; Chika N et al. Jpn. J. Clin. Oncol., 2017 Feb;47:108-117). This mutation has also been reported in an individual with constitutional mismatch repair deficiency in a compound heterozygous state with another MSH6 mutation (Rahner N et al. Am. J. Med. Genet. A, 2008 May;146A:1314-9). In addition to the clinical data presented in the literature, this alteration is expected to result in loss of function by premature protein truncation or nonsense-mediated mRNA decay. As such, this alteration is interpreted as a disease-causing mutation.

Myriad Genetics, Inc.
Classification: Pathogenic for Lynch syndrome 5. Last evaluated: 2023-08-15. Review status: criteria provided, single submitter. Criteria: Myriad Autosomal Dominant, Autosomal Recessive and X-Linked Classification Criteria (2023). Collection method: clinical testing. Allele origin: unknown. Not counted in ClinVar's aggregate classification.
Comment: This variant is considered pathogenic. This variant creates a frameshift predicted to result in premature protein truncation.

Labcorp Genetics (formerly Invitae), Labcorp
Classification: Pathogenic for Hereditary nonpolyposis colorectal neoplasms. Last evaluated: 2022-04-02. Review status: criteria provided, single submitter. Criteria: Invitae Variant Classification Sherloc (09022015). Collection method: clinical testing. Allele origin: germline. Not counted in ClinVar's aggregate classification.
Comment: This sequence change creates a premature translational stop signal (p.Glu604Leufs*5) in the MSH6 gene. It is expected to result in an absent or disrupted protein product. Loss-of-function variants in MSH6 are known to be pathogenic (PMID: 18269114, 24362816). This variant is not present in population databases (gnomAD no frequency). This premature translational stop signal has been observed in individual(s) with 4 synchronous colorectal cancers at age 16 years and colon cancer (PMID: 11470537, 18409202, 26805314). ClinVar contains an entry for this variant (Variation ID: 89224). For these reasons, this variant has been classified as Pathogenic.

Color Diagnostics, LLC DBA Color Health
Classification: Pathogenic for Hereditary cancer-predisposing syndrome. Last evaluated: 2021-11-18. Review status: criteria provided, single submitter. Criteria: ACMG Guidelines, 2015. Collection method: clinical testing. Allele origin: germline. Not counted in ClinVar's aggregate classification.
Comment: This variant deletes 4 nucleotides in exon 4 of the MSH6 gene, creating a frameshift and premature translation stop signal. This variant is expected to result in an absent or non-functional protein product. To our knowledge, functional studies have not been reported for this variant. This variant has been reported in individuals affected with Lynch syndrome or colorectal cancer (PMID: 18409202, 26805314, 27920101). This variant has not been identified in the general population by the Genome Aggregation Database (gnomAD). Loss of MSH6 function is a known mechanism of disease. Based on the available evidence, this variant is classified as Pathogenic.

Laboratory for Molecular Medicine, Mass General Brigham Personalized Medicine
Classification: Pathogenic for Lynch syndrome. Last evaluated: 2019-10-14. Review status: criteria provided, single submitter. Criteria: ACMG Guidelines, 2015. Collection method: clinical testing. Allele origin: germline. Not counted in ClinVar's aggregate classification.
Comment: The p.Glu604LeufsX5 variant in MSH6 has been reported in 1 individual with colon cancer (Ohmiya 2001) and 1 individual with Lynch syndrome (Chika 2015), and segregated with disease in 1 affected relative (Chika 2015). It has also been reported in the compound heterozygous state in an individual with early onset colorectal cancer, vitiligo and systemic lupus erythrematosus (Rahner 2008). It was absent from large population studies. This variant was classified as Pathogenic on September 5, 2013 by the ClinGen-approved InSiGHT expert panel (Variation ID 89224). This variant is predicted to cause a frameshift, which alters the protein’s amino acid sequence beginning at position 604 and leads to a premature termination codon 5 amino acids downstream. This alteration is then predicted to lead to a truncated or absent protein. Loss of function of the MSH6 gene is an established disease mechanism in autosomal dominant Lynch syndrome. In summary, the p.Glu604LeufsX5 variant meets criteria to be classified as pathogenic for Lynch syndrome. ACMG/AMP criteria applied: PVS1, PM2, PS4_supporting.

Quest Diagnostics Nichols Institute San Juan Capistrano
Classification: Pathogenic. Last evaluated: 2019-06-04. Review status: criteria provided, single submitter. Criteria: Quest Diagnostics criteria. Collection method: clinical testing. Allele origin: germline. Not counted in ClinVar's aggregate classification.
Comment: The variant results in a shift of the reading frame, and is therefore predicted to result in the loss of a functional protein. Found in at least one symptomatic patient, and not found in general population data.

Mendelics
Classification: Pathogenic for Lynch syndrome 5. Last evaluated: 2019-05-28. Review status: criteria provided, single submitter. Criteria: Mendelics Assertion Criteria 2017. Collection method: clinical testing. Allele origin: unknown. Not counted in ClinVar's aggregate classification.

Department of Pathology and Laboratory Medicine, Sinai Health System
Classification: Pathogenic for Endometrial carcinoma. Review status: no assertion criteria provided. Collection method: clinical testing. Allele origin: unknown. Affected: yes. Observed: 1 variant allele. Study: The Canadian Open Genetics Repository (COGR). Not counted in ClinVar's aggregate classification.
Comment: The variant was also identified in dbSNP (ID: rs63750735) as "With Pathogenic allele ", ClinVar (classified as pathogenic by InSight and Invitae), and in Insight Hereditary Tumors Database (2x). The variant was not identified in COGR, Cosmic, UMD-LSDB, Zhejiang University Database, or Mismatch Repair Genes Variant databases. The variant was not identified in the following control databases: the Exome Aggregation Consortium (August 8th 2016), or the Genome Aggregation Database (Feb 27, 2017). The c.1806_1809del variant is predicted to cause a frameshift, which alters the protein's amino acid sequence beginning at codon 604 and leads to a premature stop codon at position 608. This alteration is then predicted to result in a truncated or absent protein and loss of function. Loss of function variants of the MSH6 gene are an established mechanism of disease in Lynch Syndrome and is the type of variant expected to cause the disorder. The variant occurs outside of the splicing consensus sequence and 1 of 5 in silico or computational prediction software programs (SpliceSiteFinder, MaxEntScan, NNSPLICE, GeneSplicer, HumanSpliceFinder) predict a greater than 10% difference in splicing; this is not very predictive of pathogenicity. In summary, based on the above information this variant meets our laboratoryâ€šÃ„Ã´s criteria to be classified as pathogenic.

Literature cited by the submitters: PubMed 11470537 (cited by 4 submitters); PubMed 18409202 (cited by 5 submitters); PubMed 27920101 (cited by 3 submitters); PubMed 18269114 (cited by Labcorp Genetics (formerly Invitae), Labcorp); PubMed 24362816 (cited by Labcorp Genetics (formerly Invitae), Labcorp); PubMed 26805314 (cited by 4 submitters).